The following is an entry in ClinVar:

NM_000045.4(ARG1):c.232G>A (p.Glu78Lys)

Genes: ARG1 (arginase 1; plus strand), MED23 (mediator complex subunit 23; minus strand). Cytogenetic location: 6q23.2.
Variant type: single nucleotide variant.
Coding change: c.232G>A on transcript NM_000045.4 (MANE Select); coding-DNA position 232, G replaced by A.
Protein change: p.Glu78Lys; replaces glutamic acid 78 with lysine.
Molecular consequence: missense variant. On other transcripts: non-coding transcript variant (1), intron variant (2).
Genome position (GRCh38, 1-based): chr6:131,579,212, G>A. VCF-style: chr6-131579212-G-A. GRCh37 (hg19) VCF-style: chr6-131900352-G-A.
Other names: c.256G>A, p.Glu86Lys (NM_001244438.2); c.232G>A, p.Glu78Lys (NM_001369020.1); c.4078-4917C>T (NM_001270521.2); c.4096-4917C>T (NM_015979.4); short protein forms E86K, E78K.
Identifiers: ClinVar variation 2162346 (VCV002162346.1), dbSNP rs547122192, ClinGen allele CA3999201.

ClinVar aggregate classification (germline): Uncertain significance (1 of 4 stars; one submission).

Conditions:
Arginase deficiency. Also called: Arginase 1 Deficiency; ARGININEMIA; ARG1 DEFICIENCY. Identifiers: Orphanet 90, MedGen C0268548, MONDO:0008814, OMIM 207800.

Allele frequency attached by ClinVar (database versions not stated): gnomAD 0.00002; ExAC 0.00001; 1000 Genomes Project 30x 0.00016; 1000 Genomes Project 0.00020; TOPMed 0.00001.
gnomAD v4.1: 24 of 1,614,082 alleles (0.0015%); highest among the groups gnomAD compares: East Asian, 0.0045%; no homozygotes.

Submission:

Labcorp Genetics (formerly Invitae), Labcorp
Classification: Uncertain significance for Arginase deficiency. Last evaluated: 2021-09-01. Review status: criteria provided, single submitter. Criteria: Invitae Variant Classification Sherloc (09022015). Collection method: clinical testing. Allele origin: germline.
Comment: This sequence change replaces glutamic acid with lysine at codon 78 of the ARG1 protein (p.Glu78Lys). The glutamic acid residue is moderately conserved and there is a small physicochemical difference between glutamic acid and lysine. This variant is present in population databases (rs547122192, ExAC no frequency). This variant has not been reported in the literature in individuals affected with ARG1-related conditions. Algorithms developed to predict the effect of missense changes on protein structure and function (SIFT, PolyPhen-2, Align-GVGD) all suggest that this variant is likely to be tolerated. In summary, the available evidence is currently insufficient to determine the role of this variant in disease. Therefore, it has been classified as a Variant of Uncertain Significance.